The following is an entry in ClinVar:

NM_002951.5(RPN2):c.184G>A (p.Gly62Ser)

Gene: RPN2 (ribophorin II; plus strand). Cytogenetic location: 20q11.23.
Variant type: single nucleotide variant.
Coding change: c.184G>A on transcript NM_002951.5 (MANE Select); coding-DNA position 184, G replaced by A.
Protein change: p.Gly62Ser; replaces glycine 62 with serine.
Molecular consequence: missense variant. On other transcripts: 5 prime UTR variant (1).
Genome position (GRCh38, 1-based): chr20:37,184,350, G>A. VCF-style: chr20-37184350-G-A. GRCh37 (hg19) VCF-style: chr20-35812753-G-A.
Other names: c.184G>A, p.Gly62Ser (NM_001135771.3, NM_001324299.2, NM_001324301.2 and 4 more transcripts); c.-16G>A (NM_001324306.2); short protein forms G62S.
Identifiers: ClinVar variation 2848922 (VCV002848922.3), dbSNP rs2515678122, ClinGen allele CA408848282.

ClinVar aggregate classification (germline): Uncertain significance (1 of 4 stars; one submission).

Conditions:
Congenital disorder of glycosylation (CDG). Also called: Carbohydrate-deficient glycoprotein syndrome; Congenital disorders of glycosylation. Identifiers: Orphanet 137, MedGen C0282577, MONDO:0015286.

Submission:

Labcorp Genetics (formerly Invitae), Labcorp
Classification: Uncertain significance for Congenital disorder of glycosylation. Last evaluated: 2023-04-18. Review status: criteria provided, single submitter. Criteria: Invitae Variant Classification Sherloc (09022015). Collection method: clinical testing. Allele origin: germline.
Comment: This variant has not been reported in the literature in individuals affected with RPN2-related conditions. An algorithm developed to predict the effect of missense changes on protein structure and function (PolyPhen-2) suggests that this variant is likely to be disruptive. In summary, the available evidence is currently insufficient to determine the role of this variant in disease. Therefore, it has been classified as a Variant of Uncertain Significance. This sequence change replaces glycine, which is neutral and non-polar, with serine, which is neutral and polar, at codon 62 of the RPN2 protein (p.Gly62Ser). This variant is not present in population databases (gnomAD no frequency).